The following is an entry in ClinVar:

ClinVar aggregate classification (germline): Uncertain significance (1 of 4 stars; one submission).

Allele frequency attached by ClinVar (database versions not stated): gnomAD exomes below 0.00001.
gnomAD v4.1: 1 of 1,610,174 alleles (0.000062%); highest among the groups gnomAD compares: South Asian, 0.0011%; no homozygotes.

Submission:

Labcorp Genetics (formerly Invitae), Labcorp
Classification: Uncertain significance. Last evaluated: 2022-07-28. Review status: criteria provided, single submitter. Criteria: Invitae Variant Classification Sherloc (09022015). Collection method: clinical testing. Allele origin: germline.
Comment: This variant is present in population databases (no rsID available, gnomAD 0.003%). This sequence change replaces lysine, which is basic and polar, with glutamic acid, which is acidic and polar, at codon 102 of the DENND5A protein (p.Lys102Glu). This variant has not been reported in the literature in individuals affected with DENND5A-related conditions. Algorithms developed to predict the effect of missense changes on protein structure and function are either unavailable or do not agree on the potential impact of this missense change (SIFT: "Deleterious"; PolyPhen-2: "Possibly Damaging"; Align-GVGD: "Class C0"). In summary, the available evidence is currently insufficient to determine the role of this variant in disease. Therefore, it has been classified as a Variant of Uncertain Significance.

NM_015213.4(DENND5A):c.304A>G (p.Lys102Glu)

Gene: DENND5A (DENN domain containing 5A; minus strand). Cytogenetic location: 11p15.4.
Variant type: single nucleotide variant.
Coding change: c.304A>G on transcript NM_015213.4 (MANE Select); coding-DNA position 304, A replaced by G.
Protein change: p.Lys102Glu; replaces lysine 102 with glutamic acid.
Molecular consequence: missense variant. On other transcripts: non-coding transcript variant (1).
Genome position (GRCh38, 1-based): chr11:9,204,305, T>C on the plus strand (A>G on the coding strand, the complement: DENND5A is on the minus strand). VCF-style: chr11-9204305-T-C. GRCh37 (hg19) VCF-style: chr11-9225852-T-C.
Other names: c.304A>G, p.Lys102Glu (NM_001243254.2, NM_001348748.1); c.232A>G, p.Lys78Glu (NM_001348749.2); c.16A>G, p.Lys6Glu (NM_001348750.2); short protein forms K102E, K6E, K78E.
Identifiers: ClinVar variation 2020046 (VCV002020046.4), dbSNP rs1475604621, ClinGen allele CA379600553.